The following is an entry in ClinVar:

NM_001083961.2(WDR62):c.2211-168del

Gene: WDR62 (WD repeat domain 62; plus strand). Cytogenetic location: 19q13.12.
Variant type: Deletion.
Coding change: c.2211-168del on transcript NM_001083961.2 (MANE Select); 168 bases into the intron before coding-DNA position 2211, one base deleted (A; older notation c.2211-168delA).
Molecular consequence: intron variant.
Genome position (GRCh38, 1-based): chr19:36,092,521, A deleted. VCF-style (leftmost placement, unchanged base first): chr19-36092520-GA-G. GRCh37 (hg19) VCF-style: chr19-36583422-GA-G.
Other names: c.2211-168del (NM_173636.5).
Identifiers: ClinVar variation 670281 (VCV000670281.1), dbSNP rs59690923, ClinGen allele CA307875200.

ClinVar aggregate classification (germline): Benign (1 of 4 stars; one submission).

Allele frequency attached by ClinVar (database versions not stated): 1000 Genomes Project 0.12280; 1000 Genomes Project 30x 0.12820; gnomAD 0.13785 and 0.14207; TOPMed 0.14310.

Submission:

GeneDx
Classification: Benign. Last evaluated: 2018-06-14. Review status: criteria provided, single submitter. Criteria: GeneDx Variant Classification (06012015). Collection method: clinical testing. Allele origin: germline. Affected: yes.
Comment: This variant is considered likely benign or benign based on one or more of the following criteria: it is a conservative change, it occurs at a poorly conserved position in the protein, it is predicted to be benign by multiple in silico algorithms, and/or has population frequency not consistent with disease.